The following is an entry in ClinVar:

NM_020812.4(DOCK6):c.5236-6C>T

Gene: DOCK6 (dedicator of cytokinesis 6; minus strand). Cytogenetic location: 19p13.2.
Variant type: single nucleotide variant.
Coding change: c.5236-6C>T on transcript NM_020812.4 (MANE Select); 6 bases into the intron before coding-DNA position 5236, C replaced by T.
Molecular consequence: intron variant.
Genome position (GRCh38, 1-based): chr19:11,202,715, G>A on the plus strand (C>T on the coding strand, the complement: DOCK6 is on the minus strand). VCF-style: chr19-11202715-G-A. GRCh37 (hg19) VCF-style: chr19-11313391-G-A.
Other names: c.5341-6C>T (NM_001367830.1).
Identifiers: ClinVar variation 4883583 (VCV004883583.2).

ClinVar aggregate classification (germline): Uncertain significance (1 of 4 stars; one submission).

gnomAD v4.1: 7 of 1,613,586 alleles (0.00043%); highest among the groups gnomAD compares: East Asian, 0.0022%; no homozygotes.

Submission:

Dasa
Classification: Uncertain significance. Last evaluated: 2025-12-24. Review status: criteria provided, single submitter. Criteria: DASA Assertion Criteria. Collection method: clinical testing. Allele origin: germline.
Comment: NM_020812.4(DOCK6):c.5236-6C>T is a splice-region variant. This variant is rare in population databases. Computational prediction algorithms are consistent with a benign effect. The currently available literature and clinical evidence are not sufficient to establish a definitive association between this variant and the reported condition. Therefore, this variant is classified as a variant of uncertain significance.